The following is an entry in ClinVar:

NM_153717.3(EVC):c.2618G>A (p.Arg873His)

Gene: EVC (EvC ciliary complex subunit 1; plus strand). Cytogenetic location: 4p16.2.
Variant type: single nucleotide variant.
Coding change: c.2618G>A on transcript NM_153717.3 (MANE Select); coding-DNA position 2618, G replaced by A.
Protein change: p.Arg873His; replaces arginine 873 with histidine.
Molecular consequence: missense variant.
Genome position (GRCh38, 1-based): chr4:5,808,257, G>A. VCF-style: chr4-5808257-G-A. GRCh37 (hg19) VCF-style: chr4-5809984-G-A.
Other names: c.2618G>A, p.Arg873His (NM_001306090.2); short protein forms R873H.
Identifiers: ClinVar variation 2386600 (VCV002386600.6), dbSNP rs767972554, ClinGen allele CA2836623.

ClinVar aggregate classification (germline): Uncertain significance. Review status: criteria provided, multiple submitters, no conflicts (2 of 4 stars). 3 submissions from 3 submitters: Uncertain significance (3). Last evaluated 2025-10-21.

Conditions:
Inborn genetic diseases. Identifiers: MedGen C0950123, MeSH D030342.
Ellis-van Creveld syndrome (EVC). Also called: EVC-Related Ellis-van Creveld Syndrome; EVC2-Related Ellis-van Creveld Syndrome; MESOECTODERMAL DYSPLASIA; Chondroectodermal dysplasia. Identifiers: Orphanet 289, MedGen C0013903, MONDO:0009162, OMIM 225500.
Curry-Hall syndrome (WAD). Also called: WEYERS ACRODENTAL DYSOSTOSIS. Identifiers: Orphanet 952, MedGen C0457013, MONDO:0008673, OMIM 193530.

gnomAD v4.1: 49 of 1,611,872 alleles (0.003%); highest among the groups gnomAD compares: South Asian, 0.0077%; no homozygotes.

Submissions (3):

Women's Health and Genetics/Laboratory Corporation of America, LabCorp
Classification: Uncertain significance. Last evaluated: 2025-10-21. Review status: criteria provided, single submitter. Criteria: LabCorp Variant Classification Summary - May 2015. Collection method: clinical testing. Allele origin: germline.
Comment: Variant summary: EVC c.2618G>A (p.Arg873His) results in a non-conservative amino acid change in the encoded protein sequence. Algorithms developed to predict the effect of missense changes on protein structure and function are either unavailable or do not agree on the potential impact of this missense change. The variant allele was found at a frequency of 3.2e-05 in 251162 control chromosomes. The available data on variant occurrences in the general population are insufficient to allow any conclusion about variant significance. To our knowledge, no occurrence of c.2618G>A in individuals affected with EVC-related conditions and no experimental evidence demonstrating its impact on protein function have been reported. ClinVar contains an entry for this variant (Variation ID: 2386600). Based on the evidence outlined above, the variant was classified as uncertain significance.

Ambry Genetics
Classification: Uncertain significance for Inborn genetic diseases. Last evaluated: 2025-07-01. Review status: criteria provided, single submitter. Criteria: Ambry Variant Classification Scheme 2023. Collection method: clinical testing. Allele origin: germline.

Labcorp Genetics (formerly Invitae), Labcorp
Classification: Uncertain significance for Curry-Hall syndrome; Ellis-van Creveld syndrome. Last evaluated: 2024-08-08. Review status: criteria provided, single submitter. Criteria: Invitae Variant Classification Sherloc (09022015). Collection method: clinical testing. Allele origin: germline.
Comment: This sequence change replaces arginine, which is basic and polar, with histidine, which is basic and polar, at codon 873 of the EVC protein (p.Arg873His). This variant is present in population databases (rs767972554, gnomAD 0.01%). This variant has not been reported in the literature in individuals affected with EVC-related conditions. ClinVar contains an entry for this variant (Variation ID: 2386600). Advanced modeling of protein sequence and biophysical properties (such as structural, functional, and spatial information, amino acid conservation, physicochemical variation, residue mobility, and thermodynamic stability) performed at Invitae indicates that this missense variant is expected to disrupt EVC protein function with a positive predictive value of 80%. In summary, the available evidence is currently insufficient to determine the role of this variant in disease. Therefore, it has been classified as a Variant of Uncertain Significance.